The following is an entry in ClinVar:

NM_001330723.2(SNX27):c.988C>T (p.Arg330Cys)

Gene: SNX27 (sorting nexin 27; plus strand). Cytogenetic location: 1q21.3.
Variant type: single nucleotide variant.
Coding change: c.988C>T on transcript NM_001330723.2 (MANE Select); coding-DNA position 988, C replaced by T.
Protein change: p.Arg330Cys; replaces arginine 330 with cysteine.
Molecular consequence: missense variant.
Genome position (GRCh38, 1-based): chr1:151,668,474, C>T. VCF-style: chr1-151668474-C-T. GRCh37 (hg19) VCF-style: chr1-151640950-C-T.
Other names: c.988C>T, p.Arg330Cys (NM_030918.6); c.988C>T (NM_030918.5); short protein forms R330C.
Identifiers: ClinVar variation 2082182 (VCV002082182.4), dbSNP rs781279647, ClinGen allele CA1093570.

ClinVar aggregate classification (germline): Uncertain significance. Review status: criteria provided, multiple submitters, no conflicts (2 of 4 stars). 2 submissions from 2 submitters: Uncertain significance (2). Last evaluated 2024-06-02.

Conditions:
Inborn genetic diseases. Identifiers: MedGen C0950123, MeSH D030342.
Severe myoclonic epilepsy in infancy (DRVT). Also called: Severe Myoclonic Epilepsy in Infancy (SMEI); SEVERE MYOCLONIC EPILEPSY OF INFANCY; DEVELOPMENTAL AND EPILEPTIC ENCEPHALOPATHY 6A; Epileptic encephalopathy, early infantile, 6 (Dravet syndrome); Dravet syndrome. Identifiers: Orphanet 33069, MedGen C0751122, MONDO:0100135, OMIM 607208.

Allele frequency attached by ClinVar (database versions not stated): ExAC 0.00001.
gnomAD v4.1: 17 of 1,608,564 alleles (0.0011%); highest among the groups gnomAD compares: Non-Finnish European, 0.0014%; no homozygotes.

Submissions (2):

Ambry Genetics
Classification: Uncertain significance for Inborn genetic diseases. Last evaluated: 2024-06-02. Review status: criteria provided, single submitter. Criteria: Ambry Variant Classification Scheme 2023. Collection method: clinical testing. Allele origin: germline.

Labcorp Genetics (formerly Invitae), Labcorp
Classification: Uncertain significance for Severe myoclonic epilepsy in infancy. Last evaluated: 2024-04-15. Review status: criteria provided, single submitter. Criteria: Invitae Variant Classification Sherloc (09022015). Collection method: clinical testing. Allele origin: germline.
Comment: This sequence change replaces arginine, which is basic and polar, with cysteine, which is neutral and slightly polar, at codon 330 of the SNX27 protein (p.Arg330Cys). This variant is present in population databases (rs781279647, gnomAD 0.0009%). This variant has not been reported in the literature in individuals affected with SNX27-related conditions. ClinVar contains an entry for this variant (Variation ID: 2082182). An algorithm developed to predict the effect of missense changes on protein structure and function (PolyPhen-2) suggests that this variant is likely to be disruptive. In summary, the available evidence is currently insufficient to determine the role of this variant in disease. Therefore, it has been classified as a Variant of Uncertain Significance.